The following is an entry in ClinVar:

NM_003998.4(NFKB1):c.317dup (p.Asn106fs)

Gene: NFKB1 (nuclear factor kappa B subunit 1; plus strand). Cytogenetic location: 4q24.
Variant type: Duplication.
Coding change: c.317dup on transcript NM_003998.4 (MANE Select); coding-DNA position 317, one base duplicated (A; older notation c.317dupA).
Protein change: p.Asn106fs; shifts the reading frame from asparagine 106.
Molecular consequence: frameshift variant.
Genome position (GRCh38, 1-based): chr4:102,567,045, A duplicated; the last of 6 consecutive A bases (chr4:102,567,040-102,567,045); duplicating any one gives the same sequence. VCF-style (leftmost placement, unchanged base first): chr4-102567039-G-GA. GRCh37 (hg19) VCF-style: chr4-103488196-G-GA.
Other names: c.314dup, p.Asn105fs (NM_001165412.2, NM_001319226.2); short protein forms N106fs, N105fs.
Identifiers: ClinVar variation 623198 (VCV000623198.4), dbSNP rs1560679469, ClinGen allele CA645530227.

ClinVar aggregate classification (germline): Pathogenic/Likely pathogenic. Review status: criteria provided, multiple submitters, no conflicts (2 of 4 stars). 2 submissions from 2 submitters: Pathogenic (1); Likely pathogenic (1). Last evaluated 2024-04-29.

Conditions:
Immunodeficiency, common variable, 12 (CVID12). Also called: NFKB1 DEFICIENCY; IMMUNODEFICIENCY, COMMON VARIABLE, 12, WITH AUTOIMMUNITY. Identifiers: Orphanet 1572, Orphanet 696874, MedGen C4225277, MONDO:0014697, OMIM 616576.

Submissions (2):

Labcorp Genetics (formerly Invitae), Labcorp
Classification: Pathogenic. Last evaluated: 2024-04-29. Review status: criteria provided, single submitter. Criteria: Invitae Variant Classification Sherloc (09022015). Collection method: clinical testing. Allele origin: germline.
Comment: This sequence change creates a premature translational stop signal (p.Asn106Lysfs*15) in the NFKB1 gene. It is expected to result in an absent or disrupted protein product. Loss-of-function variants in NFKB1 are known to be pathogenic (PMID: 26279205, 29477724). This variant is not present in population databases (gnomAD no frequency). This variant has not been reported in the literature in individuals affected with NFKB1-related conditions. ClinVar contains an entry for this variant (Variation ID: 623198). For these reasons, this variant has been classified as Pathogenic.

Molecular Diagnostics Laboratory, M Health Fairview: University of Minnesota
Classification: Likely pathogenic for Immunodeficiency, common variable, 12. Last evaluated: 2017-12-27. Review status: criteria provided, single submitter. Criteria: ACMG Guidelines, 2015. Collection method: clinical testing. Allele origin: germline. Affected: yes. Observed: 1 variant allele.

Literature cited by the submitters: PubMed 26279205 (cited by Labcorp Genetics (formerly Invitae), Labcorp); PubMed 29477724 (cited by Labcorp Genetics (formerly Invitae), Labcorp).